The following is an entry in ClinVar:

NM_001571.6(IRF3):c.1209C>T (p.Leu403=)

Gene: IRF3 (interferon regulatory factor 3; minus strand). Cytogenetic location: 19q13.33.
Variant type: single nucleotide variant.
Coding change: c.1209C>T on transcript NM_001571.6 (MANE Select); coding-DNA position 1209, C replaced by T.
Protein change: p.Leu403=; no amino-acid change (leucine 403 retained).
Molecular consequence: synonymous variant. On other transcripts: missense variant (1), non-coding transcript variant (1).
Genome position (GRCh38, 1-based): chr19:49,659,723, G>A on the plus strand (C>T on the coding strand, the complement: IRF3 is on the minus strand). VCF-style: chr19-49659723-G-A. GRCh37 (hg19) VCF-style: chr19-50162980-G-A.
Other names: c.1225C>T, p.His409Tyr (NM_001197122.2); c.1104C>T, p.Leu368= (NM_001197123.2); c.828C>T, p.Leu276= (NM_001197124.2); c.771C>T, p.Leu257= (NM_001197125.2, NM_001197126.2); c.390C>T, p.Leu130= (NM_001197127.2, NM_001197128.2); short protein forms H409Y.
Identifiers: ClinVar variation 3039781 (VCV003039781.2), dbSNP rs11554833, ClinGen allele CA9580217.

ClinVar aggregate classification (germline): Benign (0 of 4 stars; one submission).

Conditions:
IRF3-related disorder. Also called: IRF3-related condition.

Allele frequency attached by ClinVar (database versions not stated): gnomAD exomes 0.00070; ExAC 0.00252; gnomAD 0.00777; ESP Exome Variant Server 0.00800; TOPMed 0.00898; 1000 Genomes Project 0.00938; 1000 Genomes Project 30x 0.00984.
gnomAD v4.1: 2,236 of 1,613,928 alleles (0.14%); highest among the groups gnomAD compares: African/African-American, 2.7%; 27 homozygotes.

Submission:

PreventionGenetics, part of Exact Sciences
Classification: Benign for IRF3-related condition. Last evaluated: 2024-01-29. Review status: no assertion criteria provided. Collection method: clinical testing. Allele origin: germline.
Comment: This variant is classified as benign based on ACMG/AMP sequence variant interpretation guidelines (Richards et al. 2015 PMID: 25741868, with internal and published modifications).